The following is an entry in ClinVar:

NM_017849.4(TMEM127):c.402C>A (p.Ile134=)

Gene: TMEM127 (transmembrane protein 127; minus strand). Cytogenetic location: 2q11.2.
Variant type: single nucleotide variant.
Coding change: c.402C>A on transcript NM_017849.4 (MANE Select); coding-DNA position 402, C replaced by A.
Protein change: p.Ile134=; no amino-acid change (isoleucine 134 retained).
Molecular consequence: synonymous variant.
Genome position (GRCh38, 1-based): chr2:96,254,840, G>T on the plus strand (C>A on the coding strand, the complement: TMEM127 is on the minus strand). VCF-style: chr2-96254840-G-T. GRCh37 (hg19) VCF-style: chr2-96920578-G-T.
Other names: c.402C>A, p.Ile134= (NM_001193304.3).
Identifiers: ClinVar variation 532536 (VCV000532536.15), dbSNP rs1553436974, ClinGen allele CA427495378.

ClinVar aggregate classification (germline): Benign/Likely benign. Review status: criteria provided, multiple submitters, no conflicts (2 of 4 stars). 3 submissions from 3 submitters: Benign (1); Likely benign (2). Last evaluated 2026-07-30.

Conditions:
Hereditary cancer-predisposing syndrome. Also called: Tumor predisposition; Neoplastic Syndromes, Hereditary; Hereditary Cancer Syndrome; Hereditary neoplastic syndrome. Identifiers: Orphanet 140162, MedGen C0027672, MeSH D009386, MONDO:0015356.
Hereditary pheochromocytoma and paraganglioma. Also called: Hereditary paragangliomas and pheochromocytomas; Hereditary Paraganglioma-Pheochromocytoma Syndromes; Hereditary pheochromocytoma-paraganglioma. Identifiers: Orphanet 29072, MedGen C4274332, MONDO:0017366.

Allele frequency attached by ClinVar (database versions not stated): TOPMed below 0.00001.

Submissions (3):

Myriad Genetics, Inc.
Classification: Benign for Hereditary pheochromocytoma and paraganglioma. Last evaluated: 2026-07-30. Review status: criteria provided, single submitter. Criteria: Myriad Autosomal Dominant, Autosomal Recessive and X-Linked Classification Criteria (2023). Collection method: clinical testing. Allele origin: unknown.
Comment: This variant is considered benign. This variant is a silent/synonymous amino acid change and it is not expected to impact splicing.

Labcorp Genetics (formerly Invitae), Labcorp
Classification: Likely benign for Hereditary pheochromocytoma and paraganglioma. Last evaluated: 2025-07-22. Review status: criteria provided, single submitter. Criteria: Invitae Variant Classification Sherloc (09022015). Collection method: clinical testing. Allele origin: germline.

Ambry Genetics
Classification: Likely benign for Hereditary cancer-predisposing syndrome. Last evaluated: 2020-11-09. Review status: criteria provided, single submitter. Criteria: Ambry Variant Classification Scheme 2023. Collection method: clinical testing. Allele origin: germline.